The following is an entry in ClinVar:

ClinVar aggregate classification (germline): Benign (1 of 4 stars; one submission).

Allele frequency attached by ClinVar (database versions not stated): 1000 Genomes Project 0.12001; 1000 Genomes Project 30x 0.12008; TOPMed 0.20320; ExAC 0.20824; gnomAD 0.20979; ESP Exome Variant Server 0.23089; gnomAD exomes 0.23738.
gnomAD v4.1: 359,684 of 1,535,076 alleles (23%); highest among the groups gnomAD compares: Non-Finnish European, 26%; 45,634 homozygotes.

Submission:

Unidad de Genómica Garrahan, Hospital de Pediatría Garrahan
Classification: Benign. Last evaluated: 2024-07-15. Review status: criteria provided, single submitter. Criteria: ACMG Guidelines, 2015. Collection method: clinical testing. Allele origin: germline. Affected: no. Observed: 32 variant alleles.
Comment: This variant is classified as Benign based on local population frequency. This variant was detected in 34% of patients studied in a panel designed for Epileptic and Developmental Encephalopathy and Progressive Myoclonus Epilepsy. Number of patients: 32. Only high quality variants are reported.

NM_015509.4(NECAP1):c.384-33C>G

Gene: NECAP1 (NECAP endocytosis associated 1; plus strand). Cytogenetic location: 12p13.31.
Variant type: single nucleotide variant.
Coding change: c.384-33C>G on transcript NM_015509.4 (MANE Select); 33 bases into the intron before coding-DNA position 384, C replaced by G.
Molecular consequence: intron variant.
Genome position (GRCh38, 1-based): chr12:8,092,643, C>G. VCF-style: chr12-8092643-C-G. GRCh37 (hg19) VCF-style: chr12-8245239-C-G.
Identifiers: ClinVar variation 3255285 (VCV003255285.2), dbSNP rs2231750.